The following is an entry in ClinVar:

ClinVar aggregate classification (germline): Uncertain significance (1 of 4 stars; one submission).

Submission:

GeneDx
Classification: Uncertain significance. Last evaluated: 2025-06-17. Review status: criteria provided, single submitter. Criteria: GeneDx Variant Classification Process June 2021. Collection method: clinical testing. Allele origin: germline. Affected: yes.
Comment: Not observed at significant frequency in large population cohorts (gnomAD); Loss-of-function variant in a region of the gene where loss-of-function has not been definitively established as a disease mechanism.; Has not been previously published as pathogenic or benign to our knowledge

NM_002430.3(MN1):c.3215del (p.Ala1072fs)

Gene: MN1 (MN1 proto-oncogene, transcriptional regulator; minus strand). Cytogenetic location: 22q12.1.
Variant type: Deletion.
Coding change: c.3215del on transcript NM_002430.3 (MANE Select); coding-DNA position 3215, one base deleted (C; older notation c.3215delC).
Protein change: p.Ala1072fs; shifts the reading frame from alanine 1072.
Molecular consequence: frameshift variant.
Genome position (GRCh38, 1-based): chr22:27,797,329, G deleted on the plus strand (C on the coding strand, the reverse complement: MN1 is on the minus strand). VCF-style (leftmost placement, unchanged base first): chr22-27797328-CG-C. GRCh37 (hg19) VCF-style: chr22-28193316-CG-C.
Other names: short protein forms A1072fs.
Identifiers: ClinVar variation 4538633 (VCV004538633.1).